The following is an entry in ClinVar:

ClinVar aggregate classification (germline): Uncertain significance. Review status: criteria provided, multiple submitters, no conflicts (2 of 4 stars). 2 submissions from 2 submitters: Uncertain significance (2). Last evaluated 2020-01-13.

Conditions:
Hereditary cancer-predisposing syndrome. Also called: Neoplastic Syndromes, Hereditary; Tumor predisposition; Hereditary neoplastic syndrome; Hereditary Cancer Syndrome. Identifiers: Orphanet 140162, MedGen C0027672, MeSH D009386, MONDO:0015356.
Familial cancer of breast. Also called: BREAST CANCER, FAMILIAL; Hereditary breast cancer; hereditary breast carcinoma. Identifiers: Orphanet 227535, MedGen C0346153, MONDO:0016419, OMIM 114480. Disease mechanism: loss of function.

Submissions (2):

Ambry Genetics
Classification: Uncertain significance for Hereditary cancer-predisposing syndrome. Last evaluated: 2020-01-13. Review status: criteria provided, single submitter. Criteria: Ambry Variant Classification Scheme 2023. Collection method: clinical testing. Allele origin: germline.
Comment: The p.C539Y variant (also known as c.1616G>A), located in coding exon 14 of the CHEK2 gene, results from a G to A substitution at nucleotide position 1616. The cysteine at codon 539 is replaced by tyrosine, an amino acid with highly dissimilar properties. This amino acid position is not well conserved in available vertebrate species. In addition, this alteration is predicted to be tolerated by in silico analysis. Since supporting evidence is limited at this time, the clinical significance of this alteration remains unclear.

Labcorp Genetics (formerly Invitae), Labcorp
Classification: Uncertain significance for Familial cancer of breast. Last evaluated: 2018-04-15. Review status: criteria provided, single submitter. Criteria: Invitae Variant Classification Sherloc (09022015). Collection method: clinical testing. Allele origin: germline.
Comment: This variant is not present in population databases (ExAC no frequency). In summary, the available evidence is currently insufficient to determine the role of this variant in disease. Therefore, it has been classified as a Variant of Uncertain Significance. Algorithms developed to predict the effect of missense changes on protein structure and function output the following: SIFT: "Deleterious"; PolyPhen-2: "Benign"; Align-GVGD: "Class C0". The tyrosine amino acid residue is found in multiple mammalian species, suggesting that this missense change does not adversely affect protein function. These predictions have not been confirmed by published functional studies and their clinical significance is uncertain. This variant has not been reported in the literature in individuals with CHEK2-related disease. This sequence change replaces cysteine with tyrosine at codon 539 of the CHEK2 protein (p.Cys539Tyr). The cysteine residue is moderately conserved and there is a large physicochemical difference between cysteine and tyrosine.

NM_007194.4(CHEK2):c.1616G>A (p.Cys539Tyr)

Gene: CHEK2 (checkpoint kinase 2; minus strand). Cytogenetic location: 22q12.1.
Variant type: single nucleotide variant.
Coding change: c.1616G>A on transcript NM_007194.4 (MANE Select); coding-DNA position 1616, G replaced by A.
Protein change: p.Cys539Tyr; replaces cysteine 539 with tyrosine.
Molecular consequence: missense variant.
Genome position (GRCh38, 1-based): chr22:28,687,913, C>T on the plus strand (G>A on the coding strand, the complement: CHEK2 is on the minus strand). VCF-style: chr22-28687913-C-T. GRCh37 (hg19) VCF-style: chr22-29083901-C-T.
Other names: c.1745G>A, p.Cys582Tyr (NM_001005735.3); c.953G>A, p.Cys318Tyr (NM_001257387.3); c.1415G>A, p.Cys472Tyr (NM_001349956.3); c.1529G>A, p.Cys510Tyr (NM_145862.3); short protein forms C539Y, C510Y, C472Y, C582Y, C318Y.
Identifiers: ClinVar variation 566273 (VCV000566273.12), dbSNP rs1569101993, ClinGen allele CA411090998.
Genomic context (GRCh38, chr22:28,687,913, plus strand): 5'-AGAGTGAAAGAAGGTACATTTCTTTCGTGTTCAAACCACGGAGTTCACAACACAGCAGCA[C>T]ACACAGCTGGGCGCTTTGTGGTCTCGGCACCCTCGGCTTCCCCTTCACGGGGCCGCTTTC-3'
Protein context (NP_009125.1, residues 529-543): GAETTKRPAV[Cys539Tyr]AAVL